The following is an entry in ClinVar:

ClinVar aggregate classification (germline): Uncertain significance (1 of 4 stars; one submission).

Submission:

GeneDx
Classification: Uncertain significance. Last evaluated: 2024-04-24. Review status: criteria provided, single submitter. Criteria: GeneDx Variant Classification Process June 2021. Collection method: clinical testing. Allele origin: germline. Affected: yes.
Comment: Not observed at significant frequency in large population cohorts (gnomAD); In silico analysis supports that this missense variant has a deleterious effect on protein structure/function; Has not been previously published as pathogenic or benign to our knowledge

NM_001458.5(FLNC):c.2774A>G (p.Asp925Gly)

Gene: FLNC (filamin C; plus strand). Cytogenetic location: 7q32.1.
Variant type: single nucleotide variant.
Coding change: c.2774A>G on transcript NM_001458.5 (MANE Select); coding-DNA position 2774, A replaced by G.
Protein change: p.Asp925Gly; replaces aspartic acid 925 with glycine.
Molecular consequence: missense variant.
Genome position (GRCh38, 1-based): chr7:128,843,540, A>G. VCF-style: chr7-128843540-A-G. GRCh37 (hg19) VCF-style: chr7-128483594-A-G.
Other names: c.2774A>G, p.Asp925Gly (NM_001127487.2); short protein forms D925G.
Identifiers: ClinVar variation 3373007 (VCV003373007.1).
Genomic context (GRCh38, chr7:128,843,540, plus strand): 5'-AGTTTGCAGGGACAGCCAAGGGCGAGGTTGTGCGGGACTTTGAGATCATAGACAACCATG[A>G]CTACTCCTACACTGTCAAGTACACCGCTGTCCAGCAGGTGCGCTCTGCCCCTCCCATGCT-3'
Protein context (NP_001449.3, residues 915-935): VRDFEIIDNH[Asp925Gly]YSYTVKYTAV